The following is an entry in ClinVar:

NM_002334.4(LRP4):c.3462C>T (p.Asp1154=)

Gene: LRP4 (LDL receptor related protein 4; minus strand). Cytogenetic location: 11p11.2.
Variant type: single nucleotide variant.
Coding change: c.3462C>T on transcript NM_002334.4 (MANE Select); coding-DNA position 3462, C replaced by T.
Protein change: p.Asp1154=; no amino-acid change (aspartic acid 1154 retained).
Molecular consequence: synonymous variant.
Genome position (GRCh38, 1-based): chr11:46,876,540, G>A on the plus strand (C>T on the coding strand, the complement: LRP4 is on the minus strand). VCF-style: chr11-46876540-G-A. GRCh37 (hg19) VCF-style: chr11-46898091-G-A.
Other names: c.3462C>T (NM_002334.3).
Identifiers: ClinVar variation 1118362 (VCV001118362.11), dbSNP rs570258125, ClinGen allele CA5969590.

ClinVar aggregate classification (germline): Likely benign. Review status: criteria provided, single submitter (1 of 4 stars). 2 submissions from 2 submitters: Likely benign (1). 1 of the submissions does not count toward it. Last evaluated 2025-06-24.

Conditions:
LRP4-related disorder. Also called: LRP4-related condition.
Cenani-Lenz syndactyly syndrome. Also called: SYNDACTYLY, TYPE VII; CENANI SYNDACTYLISM. Identifiers: Orphanet 3258, MedGen C1859309, MONDO:0008931, OMIM 212780.
Sclerosteosis 2 (SOST2). Identifiers: Orphanet 3152, MedGen C3280402, MONDO:0013679, OMIM 614305.
Congenital myasthenic syndrome 17. Identifiers: Orphanet 590, MedGen C4225377, MONDO:0014578, OMIM 616304.

Allele frequency attached by ClinVar (database versions not stated): gnomAD exomes 0.00003 and 0.00002; gnomAD 0.00003 and 0.00002; TOPMed 0.00009; ExAC 0.00003.
gnomAD v4.1: 28 of 1,614,192 alleles (0.0017%); highest among the groups gnomAD compares: East Asian, 0.031%; no homozygotes.

Submissions (2):

Labcorp Genetics (formerly Invitae), Labcorp
Classification: Likely benign for Cenani-Lenz syndactyly syndrome; Sclerosteosis 2; Congenital myasthenic syndrome 17. Last evaluated: 2025-06-24. Review status: criteria provided, single submitter. Criteria: Invitae Variant Classification Sherloc (09022015). Collection method: clinical testing. Allele origin: germline.

PreventionGenetics, part of Exact Sciences
Classification: Likely benign for LRP4-related condition. Last evaluated: 2022-02-01. Review status: no assertion criteria provided. Collection method: clinical testing. Allele origin: germline. Not counted in ClinVar's aggregate classification.
Comment: This variant is classified as likely benign based on ACMG/AMP sequence variant interpretation guidelines (Richards et al. 2015 PMID: 25741868, with internal and published modifications).